The following is an entry in ClinVar:

ClinVar aggregate classification (germline): Uncertain significance (1 of 4 stars; one submission).

Submission:

GeneDx
Classification: Uncertain significance. Last evaluated: 2024-01-29. Review status: criteria provided, single submitter. Criteria: GeneDx Variant Classification Process June 2021. Collection method: clinical testing. Allele origin: germline. Affected: yes.
Comment: Not observed at significant frequency in large population cohorts (gnomAD); In silico analysis supports that this missense variant has a deleterious effect on protein structure/function; Has not been previously published as pathogenic or benign to our knowledge

NM_006618.5(KDM5B):c.1390A>G (p.Met464Val)

Gene: KDM5B (lysine demethylase 5B; minus strand). Cytogenetic location: 1q32.1.
Variant type: single nucleotide variant.
Coding change: c.1390A>G on transcript NM_006618.5 (MANE Select); coding-DNA position 1390, A replaced by G.
Protein change: p.Met464Val; replaces methionine 464 with valine.
Molecular consequence: missense variant.
Genome position (GRCh38, 1-based): chr1:202,755,419, T>C on the plus strand (A>G on the coding strand, the complement: KDM5B is on the minus strand). VCF-style: chr1-202755419-T-C. GRCh37 (hg19) VCF-style: chr1-202724547-T-C.
Other names: c.1498A>G, p.Met500Val (NM_001314042.2); c.1255A>G, p.Met419Val (NM_001347591.2); c.1375A>G, p.Met459Val (NM_001399817.1); short protein forms M419V, M459V, M464V, M500V.
Identifiers: ClinVar variation 3368073 (VCV003368073.1).